The following is an entry in ClinVar:

NM_144666.3(DNHD1):c.8136G>T (p.Gly2712=)

Gene: DNHD1 (dynein heavy chain domain 1; plus strand). Cytogenetic location: 11p15.4.
Variant type: single nucleotide variant.
Coding change: c.8136G>T on transcript NM_144666.3 (MANE Select); coding-DNA position 8136, G replaced by T.
Protein change: p.Gly2712=; no amino-acid change (glycine 2712 retained).
Molecular consequence: synonymous variant.
Genome position (GRCh38, 1-based): chr11:6,557,431, G>T. VCF-style: chr11-6557431-G-T. GRCh37 (hg19) VCF-style: chr11-6578661-G-T.
Identifiers: ClinVar variation 4820854 (VCV004820854.4).

ClinVar aggregate classification (germline): Likely benign (1 of 4 stars; one submission).

Submission:

CeGaT Center for Human Genetics Tuebingen
Classification: Likely benign. Last evaluated: 2026-03-01. Review status: criteria provided, single submitter. Criteria: CeGaT Center For Human Genetics Tuebingen Variant Classification Criteria Version 2. Collection method: clinical testing. Allele origin: germline. Affected: yes. Observed: 1 variant allele.
Comment: DNHD1: BP4, BP7